The following is an entry in ClinVar:

NM_001367916.1(MAGT1):c.-9G>A

Genes: MAGT1 (magnesium transporter 1; minus strand), LOC130068460 (ATAC-STARR-seq lymphoblastoid active region 29781; plus strand). Cytogenetic location: Xq21.1.
Variant type: single nucleotide variant.
Coding change: c.-9G>A on transcript NM_001367916.1 (MANE Select); 9 bases upstream of the start codon, G replaced by A.
Molecular consequence: 5 prime UTR variant. On other transcripts: missense variant (1).
Genome position (GRCh38, 1-based): chrX:77,895,419, C>T on the plus strand (G>A on the coding strand, the complement: MAGT1 is on the minus strand). VCF-style: chrX-77895419-C-T. GRCh37 (hg19) VCF-style: chrX-77150916-C-T.
Other names: c.88G>A, p.Gly30Arg (LRG_353t1, NM_032121.5); short protein forms G30R.
Identifiers: ClinVar variation 520979 (VCV000520979.12), dbSNP rs868929451, ClinGen allele CA413714401.
Genomic context (GRCh38, chrX:77,895,419, plus strand): 5'-GCGCCACCACCATGGTCACAGAGACACACCAAAACCGCCAACGCGCTGCCATGTTCGCTC[C>T]TCTCCCTTCTATAAGTGAAACTTTGCTCCGGCTAGGTCTGAGGGTGGGGCGTGAGAACAG-3'

ClinVar aggregate classification (germline): Uncertain significance. Review status: criteria provided, multiple submitters, no conflicts (2 of 4 stars). 2 submissions from 2 submitters: Uncertain significance (2). Last evaluated 2025-06-12.

Conditions:
Inborn genetic diseases. Identifiers: MedGen C0950123, MeSH D030342.
X-linked immunodeficiency with magnesium defect, Epstein-Barr virus infection and neoplasia. Identifiers: Orphanet 317476, MedGen C3275445, MONDO:0010455, OMIM 300853.

Allele frequency attached by ClinVar (database versions not stated): gnomAD exomes 0.00001; TOPMed 0.00001.
gnomAD v4.1: 3 of 1,210,275 alleles (0.00025%); highest among the groups gnomAD compares: Admixed American, 0.0022%; no homozygotes.

Submissions (2):

Labcorp Genetics (formerly Invitae), Labcorp
Classification: Uncertain significance for X-linked immunodeficiency with magnesium defect, Epstein-Barr virus infection and neoplasia. Last evaluated: 2025-06-12. Review status: criteria provided, single submitter. Criteria: Invitae Variant Classification Sherloc (09022015). Collection method: clinical testing. Allele origin: germline.
Comment: This sequence change replaces glycine, which is neutral and non-polar, with arginine, which is basic and polar, at codon 30 of the MAGT1 protein (p.Gly30Arg). The frequency data for this variant in the population databases is considered unreliable, as metrics indicate poor data quality at this position in the gnomAD database. This variant has not been reported in the literature in individuals affected with MAGT1-related conditions. ClinVar contains an entry for this variant (Variation ID: 520979). An algorithm developed to predict the effect of missense changes on protein structure and function outputs the following: PolyPhen-2: "Benign". The arginine amino acid residue is found in multiple mammalian species, which suggests that this missense change does not adversely affect protein function. In summary, the available evidence is currently insufficient to determine the role of this variant in disease. Therefore, it has been classified as a Variant of Uncertain Significance.

Ambry Genetics
Classification: Uncertain significance for Inborn genetic diseases. Last evaluated: 2016-04-05. Review status: criteria provided, single submitter. Criteria: Ambry exome assertion method (8-5-2015). Collection method: clinical testing. Allele origin: germline. Affected: yes. Observed: 1 variant allele.